The following is an entry in ClinVar:

NM_006379.5(SEMA3C):c.1121G>A (p.Arg374His)

Gene: SEMA3C (semaphorin 3C; minus strand). Cytogenetic location: 7q21.11.
Variant type: single nucleotide variant.
Coding change: c.1121G>A on transcript NM_006379.5 (MANE Select); coding-DNA position 1121, G replaced by A.
Protein change: p.Arg374His; replaces arginine 374 with histidine.
Molecular consequence: missense variant.
Genome position (GRCh38, 1-based): chr7:80,798,102, C>T on the plus strand (G>A on the coding strand, the complement: SEMA3C is on the minus strand). VCF-style: chr7-80798102-C-T. GRCh37 (hg19) VCF-style: chr7-80427418-C-T.
Other names: c.1175G>A, p.Arg392His (NM_001350120.2); c.947G>A, p.Arg316His (NM_001350121.2); short protein forms R392H, R316H, R374H.
Identifiers: ClinVar variation 4988596 (VCV004988596.1).

ClinVar aggregate classification (germline): Uncertain significance (1 of 4 stars; one submission).

Conditions:
SEMA3C-related disorder. Also called: SEMA3C-related condition.

Submission:

PreventionGenetics, part of Exact Sciences
Classification: Uncertain significance for SEMA3C-related condition. Last evaluated: 2025-05-19. Review status: criteria provided, single submitter. Criteria: ACMG Guidelines, 2015. Collection method: clinical testing. Allele origin: germline.
Comment: The SEMA3C c.1175G>A variant is predicted to result in the amino acid substitution p.Arg392His. To our knowledge, this variant has not been reported in the literature. This variant is reported in 0.0065% of alleles in individuals of European (Non-Finnish) descent in gnomAD. At this time, the clinical significance of this variant is uncertain due to the absence of conclusive functional and genetic evidence.